The following is an entry in ClinVar:

ClinVar aggregate classification (germline): Benign/Likely benign. Review status: criteria provided, multiple submitters, no conflicts (2 of 4 stars). 4 submissions from 4 submitters: Benign (2); Likely benign (2). Last evaluated 2026-03-29.

Conditions:
NOTCH1-related disorder. Also called: NOTCH1-related condition; NOTCH1-related disorders.
Adams-Oliver syndrome 5 (AOS5). Identifiers: Orphanet 974, MedGen C4014970, MONDO:0014459, OMIM 616028.
Familial thoracic aortic aneurysm and aortic dissection (TAAD). Also called: Thoracic aortic aneurysms and dissections. Identifiers: Orphanet 91387, MedGen C4707243, MONDO:0019625.

Allele frequency attached by ClinVar (database versions not stated): gnomAD exomes 0.00003; TOPMed 0.00003; gnomAD 0.00004; ExAC 0.00007.
gnomAD v4.1: 54 of 1,605,042 alleles (0.0034%); highest among the groups gnomAD compares: Non-Finnish European, 0.0038%; no homozygotes.

Submissions (4):

PreventionGenetics, part of Exact Sciences
Classification: Likely benign for NOTCH1-related condition. Last evaluated: 2026-03-29. Review status: criteria provided, single submitter. Criteria: ACMG Guidelines, 2015. Collection method: clinical testing. Allele origin: germline.
Comment: This variant is classified as likely benign based on ACMG/AMP sequence variant interpretation guidelines (Richards et al. 2015 PMID: 25741868, with internal and published modifications).

Labcorp Genetics (formerly Invitae), Labcorp
Classification: Benign for Adams-Oliver syndrome 5. Last evaluated: 2025-06-23. Review status: criteria provided, single submitter. Criteria: Invitae Variant Classification Sherloc (09022015). Collection method: clinical testing. Allele origin: germline.

Women's Health and Genetics/Laboratory Corporation of America, LabCorp
Classification: Benign. Last evaluated: 2024-10-21. Review status: criteria provided, single submitter. Criteria: LabCorp Variant Classification Summary - May 2015. Collection method: clinical testing. Allele origin: germline.
Comment: Variant summary: NOTCH1 c.7653G>A alters a non-conserved nucleotide resulting in a synonymous change. Computational tools predict a significant impact on normal splicing: Three predict the variant creates a cryptic 3' acceptor site. However, these predictions have yet to be confirmed by functional studies. The variant allele was found at a frequency of 3.4e-05 in 1605042 control chromosomes (gnomAD). The observed variant frequency is approximately 54 fold of the estimated maximal expected allele frequency for a pathogenic variant in NOTCH1 causing Adams-Oliver Syndrome 5 phenotype (6.3e-07). To our knowledge, no occurrence of c.7653G>A in individuals affected with Adams-Oliver Syndrome 5 and no experimental evidence demonstrating its impact on protein function have been reported. ClinVar contains an entry for this variant (Variation ID: 651006). Based on the evidence outlined above, the variant was classified as benign.

Ambry Genetics
Classification: Likely benign for Familial thoracic aortic aneurysm and aortic dissection. Last evaluated: 2019-06-06. Review status: criteria provided, single submitter. Criteria: Ambry Variant Classification Scheme 2023. Collection method: clinical testing. Allele origin: germline.

Literature cited by the submitters: PubMed 24943832 (cited by Women's Health and Genetics/Laboratory Corporation of America, LabCorp); PubMed 16614245 (cited by Women's Health and Genetics/Laboratory Corporation of America, LabCorp); PubMed 21670202 (cited by Women's Health and Genetics/Laboratory Corporation of America, LabCorp); PubMed 22210878 (cited by Women's Health and Genetics/Laboratory Corporation of America, LabCorp); PubMed 19635999 (cited by Women's Health and Genetics/Laboratory Corporation of America, LabCorp); PubMed 26837699 (cited by Women's Health and Genetics/Laboratory Corporation of America, LabCorp); PubMed 23086750 (cited by Women's Health and Genetics/Laboratory Corporation of America, LabCorp); PubMed 19245433 (cited by Women's Health and Genetics/Laboratory Corporation of America, LabCorp); PubMed 22077063 (cited by Women's Health and Genetics/Laboratory Corporation of America, LabCorp); PubMed 15472075 (cited by Women's Health and Genetics/Laboratory Corporation of America, LabCorp); PubMed 23734977 (cited by Women's Health and Genetics/Laboratory Corporation of America, LabCorp); PubMed 22858860 (cited by Women's Health and Genetics/Laboratory Corporation of America, LabCorp).

NM_017617.5(NOTCH1):c.7653G>A (p.Pro2551=)

Gene: NOTCH1 (notch receptor 1; minus strand). Cytogenetic location: 9q34.3.
Variant type: single nucleotide variant.
Coding change: c.7653G>A on transcript NM_017617.5 (MANE Select); coding-DNA position 7653, G replaced by A.
Protein change: p.Pro2551=; no amino-acid change (proline 2551 retained).
Molecular consequence: synonymous variant.
Genome position (GRCh38, 1-based): chr9:136,496,086, C>T on the plus strand (G>A on the coding strand, the complement: NOTCH1 is on the minus strand). VCF-style: chr9-136496086-C-T. GRCh37 (hg19) VCF-style: chr9-139390538-C-T.
Other names: c.7653G>A, p.Pro2551= (LRG_1122t1); c.7653G>A (NM_017617.4).
Identifiers: ClinVar variation 651006 (VCV000651006.12), dbSNP rs759443061, ClinGen allele CA5339635.
Genomic context (GRCh38, chr9:136,496,086, plus strand): 5'-CCGAAGGCTTGGGAAAGGAAGCCGGGGTCTCGTGGGGCGCGCCGTTTACTTGAAGGCCTC[C>T]GGAATGCGGGCGATCTGGGACTGCATGCTGGTGGGAGGGCTGGAGACGCCCTCGGACCAG-3'
Protein context (NP_060087.3, residues 2541-2555): TSMQSQIARI[Pro2551=]EAFK